The following is an entry in ClinVar:

NM_198075.4(LRRC56):c.1620C>T (p.Val540=)

Gene: LRRC56 (leucine rich repeat containing 56; plus strand). Cytogenetic location: 11p15.5.
Variant type: single nucleotide variant.
Coding change: c.1620C>T on transcript NM_198075.4 (MANE Select); coding-DNA position 1620, C replaced by T.
Protein change: p.Val540=; no amino-acid change (valine 540 retained).
Molecular consequence: synonymous variant.
Genome position (GRCh38, 1-based): chr11:554,267, C>T. VCF-style: chr11-554267-C-T. GRCh37 (hg19) VCF-style: chr11-554267-C-T.
Other names: c.1620C>T, p.Val540= (NM_001441283.1, NM_001441284.1); c.1443C>T, p.Val481= (NM_001441285.1, NM_001441286.1).
Identifiers: ClinVar variation 4875280 (VCV004875280.2).

ClinVar aggregate classification (germline): Likely benign (1 of 4 stars; one submission).

Submission:

CeGaT Center for Human Genetics Tuebingen
Classification: Likely benign. Last evaluated: 2026-06-01. Review status: criteria provided, single submitter. Criteria: CeGaT Center For Human Genetics Tuebingen Variant Classification Criteria Version 2. Collection method: clinical testing. Allele origin: germline. Affected: yes. Observed: 1 variant allele.
Comment: LRRC56: PM2:Supporting, BP4, BP7